The following is an entry in ClinVar:

NM_000179.3(MSH6):c.2792C>T (p.Ala931Val)

Gene: MSH6 (mutS homolog 6; plus strand). Cytogenetic location: 2p16.3.
Variant type: single nucleotide variant.
Coding change: c.2792C>T on transcript NM_000179.3 (MANE Select); coding-DNA position 2792, C replaced by T.
Protein change: p.Ala931Val; replaces alanine 931 with valine.
Molecular consequence: missense variant.
Genome position (GRCh38, 1-based): chr2:47,800,775, C>T. VCF-style: chr2-47800775-C-T. GRCh37 (hg19) VCF-style: chr2-48027914-C-T.
Other names: c.2402C>T, p.Ala801Val (NM_001281492.2); c.1886C>T, p.Ala629Val (NM_001281493.2, NM_001281494.2); short protein forms A931V, A629V, A801V.
Identifiers: ClinVar variation 630654 (VCV000630654.7), dbSNP rs927587365, ClinGen allele CA46712134.

ClinVar aggregate classification (germline): Uncertain significance. Review status: criteria provided, multiple submitters, no conflicts (2 of 4 stars). 3 submissions from 3 submitters: Uncertain significance (3). Last evaluated 2024-03-06.

Conditions:
Hereditary cancer-predisposing syndrome. Also called: Tumor predisposition; Neoplastic Syndromes, Hereditary; Hereditary neoplastic syndrome; Hereditary Cancer Syndrome. Identifiers: Orphanet 140162, MedGen C0027672, MeSH D009386, MONDO:0015356.
Lynch syndrome. Identifiers: Orphanet 144, MedGen C4552100, MONDO:0005835. Disease mechanism: loss of function.

Allele frequency attached by ClinVar (database versions not stated): gnomAD exomes below 0.00001.
gnomAD v4.1: 2 of 1,614,156 alleles (0.00012%); highest among the groups gnomAD compares: South Asian, 0.0011%; no homozygotes.

Submissions (3):

Color Diagnostics, LLC DBA Color Health
Classification: Uncertain significance for Hereditary cancer-predisposing syndrome. Last evaluated: 2024-03-06. Review status: criteria provided, single submitter. Criteria: ACMG Guidelines, 2015. Collection method: clinical testing. Allele origin: germline.
Comment: This missense variant replaces alanine with valine at codon 931 of the MSH6 protein. Computational prediction suggests that this variant may not impact protein structure and function (internally defined REVEL score threshold <= 0.5, PMID: 27666373). To our knowledge, functional studies have not been reported for this variant. This variant has not been reported in individuals affected with hereditary cancer in the literature. This variant has not been identified in the general population by the Genome Aggregation Database (gnomAD). The available evidence is insufficient to determine the role of this variant in disease conclusively. Therefore, this variant is classified as a Variant of Uncertain Significance.

All of Us Research Program, National Institutes of Health
Classification: Uncertain significance for Lynch syndrome. Last evaluated: 2023-12-01. Review status: criteria provided, single submitter. Criteria: ACMG Guidelines, 2015. Collection method: clinical testing. Allele origin: germline. Inheritance: Autosomal dominant inheritance. Observed: 1 variant allele, 1 heterozygote.
Comment: This missense variant replaces alanine with valine at codon 931 of the MSH6 protein. Computational prediction suggests that this variant may not impact protein structure and function (internally defined REVEL score threshold <= 0.5, PMID: 27666373). To our knowledge, functional studies have not been reported for this variant. This variant has not been reported in individuals affected with hereditary cancer in the literature. This variant has not been identified in the general population by the Genome Aggregation Database (gnomAD). The available evidence is insufficient to determine the role of this variant in disease conclusively. Therefore, this variant is classified as a Variant of Uncertain Significance.

This study involves interpretation of variants in research participants for the purpose of population health screening. Participant phenotype was not available at the time of variant classification. Additional details can be found in publication PMID: 35346344, PMCID: PMC8962531

Ambry Genetics
Classification: Uncertain significance for Hereditary cancer-predisposing syndrome. Last evaluated: 2023-10-25. Review status: criteria provided, single submitter. Criteria: Ambry Variant Classification Scheme 2023. Collection method: clinical testing. Allele origin: germline.
Comment: The p.A931V variant (also known as c.2792C>T), located in coding exon 4 of the MSH6 gene, results from a C to T substitution at nucleotide position 2792. The alanine at codon 931 is replaced by valine, an amino acid with similar properties. This amino acid position is not well conserved in available vertebrate species. In addition, this alteration is predicted to be tolerated by in silico analysis. Since supporting evidence is limited at this time, the clinical significance of this alteration remains unclear.